The following is an entry in ClinVar:

ClinVar aggregate classification (germline): Pathogenic/Likely pathogenic. Review status: no assertion criteria provided (0 of 4 stars). 3 submissions from 2 submitters: Pathogenic (1); Likely pathogenic (1). 1 of the submissions does not count toward it. Last evaluated 1999-04-01.
ClinVar aggregate classification (somatic clinical impact): Tier I - Strong. Review status: criteria provided, single submitter (1 of 4 stars). 4 submissions from 1 submitter. 1 of the submissions does not count toward it. Last evaluated 2024-11-27.
ClinVar aggregate classification (oncogenicity): Oncogenic (1 of 4 stars; one submission).

Conditions:
Pilomatrixoma (PTR). Also called: Pilomatricoma, somatic; PILOMATRICOMA; EPITHELIOMA CALCIFICANS OF MALHERBE. Identifiers: Orphanet 91414, MedGen C0206711, MeSH D018296, MONDO:0007564, OMIM 132600, HP:0030434.
Sertoli-Leydig cell tumor. Identifiers: MedGen C0206723, MONDO:0002479.
Adamantinous craniopharyngioma. Identifiers: MedGen C0431129, MONDO:0002787.
Sertoli cell tumor. Identifiers: MedGen C0036769, MONDO:0002696.
Medulloblastoma WNT activated. Identifiers: MedGen C4331965, MONDO:0850196.
Neoplasm. Also called: Neoplasms; Neoplasm (disease); tumor. Identifiers: MedGen C0027651, MeSH D009369, MONDO:0005070, HP:0002664.

Submissions (8):

Center for Genomic Medicine, Rigshospitalet, Copenhagen University Hospital
Classification: Oncogenic for Neoplasm. Last evaluated: 2026-10-16. Review status: criteria provided, single submitter. Criteria: ClinGen/CGC/VICC Guidelines for Oncogenicity, 2022. Collection method: clinical testing. Allele origin: somatic. Affected: yes.

Institute for Genomic Medicine (IGM) Clinical Laboratory, Nationwide Children's Hospital
Classification: Tier II - Potential for Sertoli-Leydig cell tumor. Assertion type: diagnostic. Clinical significance: supports diagnosis. Last evaluated: 2025-05-22. Review status: criteria provided, single submitter. Criteria: AMP/ASCO/CAP Guidelines, 2017. Collection method: clinical testing. Allele origin: somatic. Affected: yes. Not counted in ClinVar's aggregate classification.
Comment: Variant has Tier II (potential) clinical significance as a diagnostic inclusion criterion in Sertoli-Leydig cell tumor, based on the following evidence: 1) Documented in one or more cancer databases (e.g., St. Jude Pecan, COSMIC, CIViC, OncoKB). 2) Information in the literature supports potential biologic effect of variant (PMIDs: 15064718, 29435196). 3) Assists in diagnosis alone or along with other biomarkers based on small studies or few case reports (Evidence Level D; PMIDs: 31846522, 36906070).

Institute for Genomic Medicine (IGM) Clinical Laboratory, Nationwide Children's Hospital
Classification: Tier I - Strong for Medulloblastoma WNT activated. Assertion type: diagnostic. Clinical significance: supports diagnosis. Last evaluated: 2024-11-27. Review status: criteria provided, single submitter. Criteria: AMP/ASCO/CAP Guidelines, 2017. Collection method: clinical testing. Allele origin: somatic. Affected: yes.
Comment: Variant has Tier I (strong) clinical significance as a diagnostic inclusion criterion in medulloblastoma WNT activated, based on the following evidence: 1) Documented in one or more cancer databases (e.g., St. Jude Pecan, COSMIC, CIViC, OncoKB). 2) Appears in one or more well-established professional guidelines (e.g., World Health Organization [WHO]; National Comprehensive Cancer Network [NCCN]) as providing diagnostic, prognostic, or therapeutic information. 3) Information in the literature supports potential biologic effect of variant (PMIDs: 29435196, 30699286). 4) Diagnostic for a specific tumor type/classification according to professional guidelines (Evidence Level A; PMIDs: 21163964, 22832581, 28726821, 22832583, 22722829, 22820256).

Institute for Genomic Medicine (IGM) Clinical Laboratory, Nationwide Children's Hospital
Classification: Tier I - Strong for Adamantinous craniopharyngioma. Assertion type: diagnostic. Clinical significance: supports diagnosis. Last evaluated: 2024-07-15. Review status: criteria provided, single submitter. Criteria: AMP/ASCO/CAP Guidelines, 2017. Collection method: clinical testing. Allele origin: somatic. Affected: yes.
Comment: Variant has Tier I (strong) clinical significance as a diagnostic inclusion criterion in adamantinous craniopharyngioma, based on the following evidence: 1) Documented in one or more cancer databases (e.g., St. Jude Pecan, COSMIC, CIViC, OncoKB). 2) Appears in one or more well-established professional guidelines (e.g., World Health Organization [WHO]; National Comprehensive Cancer Network [NCCN]) as providing diagnostic, prognostic, or therapeutic information. 3) Information in the literature supports potential biologic effect of variant (PMIDs: 29435196, 15064718, 22298898). 4) Diagnostic for a specific tumor type/classification according to professional guidelines (Evidence Level A; PMIDs: 12466115, 24413733, 28069929).

Institute for Genomic Medicine (IGM) Clinical Laboratory, Nationwide Children's Hospital
Classification: Tier I - Strong for Sertoli cell tumor. Assertion type: diagnostic. Clinical significance: supports diagnosis. Last evaluated: 2022-11-08. Review status: criteria provided, single submitter. Criteria: AMP/ASCO/CAP Guidelines, 2017. Collection method: clinical testing. Allele origin: somatic. Affected: yes.
Comment: Variant has Tier I (strong) clinical significance as a diagnostic inclusion criterion in Sertoli cell tumor, based on the following evidence: 1) Documented in one or more cancer databases (e.g., St. Jude Pecan, COSMIC, CIViC, OncoKB). 2) Appears in one or more well-established professional guidelines (e.g., World Health Organization [WHO]; National Comprehensive Cancer Network [NCCN]) as providing diagnostic, prognostic, or therapeutic information. 3) Information in the literature supports potential biologic effect of variant (PMID: 29435196). 4) Diagnostic for a specific tumor type/classification based on well-powered studies with expert-level consensus (Evidence Level B; PMIDs: 24061522, 26034868, 28204871, 36180576).

OMIM
Classification: Pathogenic for PILOMATRICOMA, SOMATIC. Last evaluated: 1999-04-01. Review status: no assertion criteria provided. Collection method: literature only. Allele origin: somatic.

Richard Lifton Laboratory, Yale University School of Medicine
Classification: Likely pathogenic. Review status: no assertion criteria provided. Collection method: not provided. Allele origin: somatic.
Comment: CTNNB1:p.D32G
ClinVar note: Converted during submission from probable-pathogenic to Likely pathogenic.

Richard Lifton Laboratory, Yale University School of Medicine
Classification: Likely pathogenic. Review status: flagged submission. Collection method: not provided. Allele origin: somatic. Not counted in ClinVar's aggregate classification.
ClinVar note: Converted during submission from probable-pathogenic to Likely pathogenic.
ClinVar note: Reason: This record appears to be redundant with a more recent record from the same submitter.
ClinVar note: Notes: SCV000120061 appears to be redundant with SCV000155164.

Literature cited by the submitters: PubMed 15064718 (cited by Institute for Genomic Medicine (IGM) Clinical Laboratory, Nationwide Children's Hospital); PubMed 29435196 (cited by Institute for Genomic Medicine (IGM) Clinical Laboratory, Nationwide Children's Hospital); PubMed 31846522 (cited by Institute for Genomic Medicine (IGM) Clinical Laboratory, Nationwide Children's Hospital); PubMed 36906070 (cited by Institute for Genomic Medicine (IGM) Clinical Laboratory, Nationwide Children's Hospital); PubMed 30699286 (cited by Institute for Genomic Medicine (IGM) Clinical Laboratory, Nationwide Children's Hospital); PubMed 21163964 (cited by Institute for Genomic Medicine (IGM) Clinical Laboratory, Nationwide Children's Hospital); PubMed 22832581 (cited by Institute for Genomic Medicine (IGM) Clinical Laboratory, Nationwide Children's Hospital); PubMed 28726821 (cited by Institute for Genomic Medicine (IGM) Clinical Laboratory, Nationwide Children's Hospital); PubMed 22832583 (cited by Institute for Genomic Medicine (IGM) Clinical Laboratory, Nationwide Children's Hospital); PubMed 22722829 (cited by Institute for Genomic Medicine (IGM) Clinical Laboratory, Nationwide Children's Hospital); PubMed 22820256 (cited by Institute for Genomic Medicine (IGM) Clinical Laboratory, Nationwide Children's Hospital); PubMed 22298898 (cited by Institute for Genomic Medicine (IGM) Clinical Laboratory, Nationwide Children's Hospital); PubMed 12466115 (cited by Institute for Genomic Medicine (IGM) Clinical Laboratory, Nationwide Children's Hospital); PubMed 24413733 (cited by Institute for Genomic Medicine (IGM) Clinical Laboratory, Nationwide Children's Hospital); PubMed 28069929 (cited by Institute for Genomic Medicine (IGM) Clinical Laboratory, Nationwide Children's Hospital); PubMed 24061522 (cited by Institute for Genomic Medicine (IGM) Clinical Laboratory, Nationwide Children's Hospital); PubMed 26034868 (cited by Institute for Genomic Medicine (IGM) Clinical Laboratory, Nationwide Children's Hospital); PubMed 28204871 (cited by Institute for Genomic Medicine (IGM) Clinical Laboratory, Nationwide Children's Hospital); PubMed 36180576 (cited by Institute for Genomic Medicine (IGM) Clinical Laboratory, Nationwide Children's Hospital); PubMed 10192393 (cited by OMIM).

NM_001904.4(CTNNB1):c.95A>G (p.Asp32Gly)

Genes: CTNNB1 (catenin beta 1; plus strand), LOC126806658 (BRD4-independent group 4 enhancer GRCh37_chr3:41265899-41267098; plus strand). Cytogenetic location: 3p22.1.
Variant type: single nucleotide variant.
Coding change: c.95A>G on transcript NM_001904.4 (MANE Select); coding-DNA position 95, A replaced by G.
Protein change: p.Asp32Gly; replaces aspartic acid 32 with glycine.
Molecular consequence: missense variant.
Genome position (GRCh38, 1-based): chr3:41,224,607, A>G. VCF-style: chr3-41224607-A-G. GRCh37 (hg19) VCF-style: chr3-41266098-A-G.
Other names: c.95A>G, p.Asp32Gly (NM_001098209.2, NM_001098210.2); c.74A>G, p.Asp25Gly (NM_001330729.2); short protein forms D32G, D25G.
Identifiers: ClinVar variation 17578 (VCV000017578.4), dbSNP rs121913396, ClinGen allele CA127265.